The following is an entry in ClinVar:

NM_004006.3(DMD):c.5586+30G>A

Gene: DMD (dystrophin; minus strand). Cytogenetic location: Xp21.1.
Variant type: single nucleotide variant.
Coding change: c.5586+30G>A on transcript NM_004006.3 (MANE Select); 30 bases into the intron after coding-DNA position 5586, G replaced by A.
Molecular consequence: intron variant.
Genome position (GRCh38, 1-based): chrX:32,345,913, C>T on the plus strand (G>A on the coding strand, the complement: DMD is on the minus strand). VCF-style: chrX-32345913-C-T. GRCh37 (hg19) VCF-style: chrX-32364030-C-T.
Other names: c.5562+30G>A (NM_000109.4); c.1563+30G>A (NM_004011.4); c.1554+30G>A (NM_004012.4); c.5574+30G>A (NM_004009.3); c.5217+30G>A (NM_004010.3).
Identifiers: ClinVar variation 671472 (VCV000671472.2), dbSNP rs72468623, ClinGen allele CA147833.
Genomic context (GRCh38, chrX:32,345,913, plus strand): 5'-GAAGCAGATTTTATTAATGCACATTATATTTTACCCTATATATTAAAAAAAAACCACAGG[C>T]AAGGTATATTATAATTTTAGCTCTAATACCTTGAGAGCATTATGTTTTGTCTGTAACAGC-3'

ClinVar aggregate classification (germline): Benign. Review status: criteria provided, multiple submitters, no conflicts (2 of 4 stars). 2 submissions from 2 submitters: Benign (2). Last evaluated 2018-06-14.

Allele frequency attached by ClinVar (database versions not stated): gnomAD 0.03997; TOPMed 0.04860; 1000 Genomes Project 0.04954; 1000 Genomes Project 30x 0.05182; ESP Exome Variant Server 0.05195.
gnomAD v4.1: 10,560 of 1,200,769 alleles (0.88%); highest among the groups gnomAD compares: African/African-American, 14%; 461 homozygotes.

Submissions (2):

GeneDx
Classification: Benign. Last evaluated: 2018-06-14. Review status: criteria provided, single submitter. Criteria: GeneDx Variant Classification (06012015). Collection method: clinical testing. Allele origin: germline. Affected: yes.
Comment: This variant is considered likely benign or benign based on one or more of the following criteria: it is a conservative change, it occurs at a poorly conserved position in the protein, it is predicted to be benign by multiple in silico algorithms, and/or has population frequency not consistent with disease.

Breakthrough Genomics
Classification: Benign. Review status: criteria provided, single submitter. Criteria: ACMG Guidelines, 2015. Collection method: not provided. Allele origin: germline. Inheritance: X-linked inheritance. Affected: yes.